The following is an entry in ClinVar:

NM_005188.4(CBL):c.1821T>A (p.Asp607Glu)

Gene: CBL (Cbl proto-oncogene; plus strand). Cytogenetic location: 11q23.3.
Variant type: single nucleotide variant.
Coding change: c.1821T>A on transcript NM_005188.4 (MANE Select); coding-DNA position 1821, T replaced by A.
Protein change: p.Asp607Glu; replaces aspartic acid 607 with glutamic acid.
Molecular consequence: missense variant.
Genome position (GRCh38, 1-based): chr11:119,285,446, T>A. VCF-style: chr11-119285446-T-A. GRCh37 (hg19) VCF-style: chr11-119156156-T-A.
Other names: c.1821T>A (NM_005188.2); short protein forms D607E.
Identifiers: ClinVar variation 1351307 (VCV001351307.9), dbSNP rs2135310845, ClinGen allele CA382920566.

ClinVar aggregate classification (germline): Uncertain significance. Review status: criteria provided, multiple submitters, no conflicts (2 of 4 stars). 2 submissions from 2 submitters: Uncertain significance (2). Last evaluated 2025-03-01.

Conditions:
Cardiovascular phenotype. Identifiers: MedGen CN230736.
RASopathy. Also called: rasopathies; Noonan spectrum disorder. Identifiers: Orphanet 536391, MedGen C5555857, MONDO:0021060.

Submissions (2):

Ambry Genetics
Classification: Uncertain significance for Cardiovascular phenotype. Last evaluated: 2025-03-01. Review status: criteria provided, single submitter. Criteria: Ambry Variant Classification Scheme 2023. Collection method: clinical testing. Allele origin: germline.
Comment: The p.D607E variant (also known as c.1821T>A), located in coding exon 11 of the CBL gene, results from a T to A substitution at nucleotide position 1821. The aspartic acid at codon 607 is replaced by glutamic acid, an amino acid with highly similar properties. This amino acid position is conserved. In addition, this alteration is predicted to be tolerated by in silico analysis. Based on the available evidence, the clinical significance of this variant remains unclear.

Labcorp Genetics (formerly Invitae), Labcorp
Classification: Uncertain significance for RASopathy. Last evaluated: 2023-06-10. Review status: criteria provided, single submitter. Criteria: Invitae Variant Classification Sherloc (09022015). Collection method: clinical testing. Allele origin: germline.
Comment: In summary, the available evidence is currently insufficient to determine the role of this variant in disease. Therefore, it has been classified as a Variant of Uncertain Significance. Advanced modeling of protein sequence and biophysical properties (such as structural, functional, and spatial information, amino acid conservation, physicochemical variation, residue mobility, and thermodynamic stability) performed at Invitae indicates that this missense variant is not expected to disrupt CBL protein function. ClinVar contains an entry for this variant (Variation ID: 1351307). This variant has not been reported in the literature in individuals affected with CBL-related conditions. This variant is not present in population databases (gnomAD no frequency). This sequence change replaces aspartic acid, which is acidic and polar, with glutamic acid, which is acidic and polar, at codon 607 of the CBL protein (p.Asp607Glu).